The following is an entry in ClinVar:

NM_021969.3(NR0B2):c.573G>A (p.Leu191=)

Genes: NR0B2 (nuclear receptor subfamily 0 group B member 2; minus strand), NUDC (nuclear distribution C, dynein complex regulator; plus strand). Cytogenetic location: 1p36.11.
Variant type: single nucleotide variant.
Coding change: c.573G>A on transcript NM_021969.3 (MANE Select); coding-DNA position 573, G replaced by A.
Protein change: p.Leu191=; no amino-acid change (leucine 191 retained).
Molecular consequence: synonymous variant.
Genome position (GRCh38, 1-based): chr1:26,912,046, C>T on the plus strand (G>A on the coding strand, the complement: NR0B2 is on the minus strand). VCF-style: chr1-26912046-C-T. GRCh37 (hg19) VCF-style: chr1-27238537-C-T.
Identifiers: ClinVar variation 4992825 (VCV004992825.1).

ClinVar aggregate classification (germline): Likely benign (1 of 4 stars; one submission).

Conditions:
NR0B2-related disorder. Also called: NR0B2-related condition.

gnomAD v4.1: 6 of 1,613,990 alleles (0.00037%); highest among the groups gnomAD compares: Admixed American, 0.0083%; no homozygotes.

Submission:

PreventionGenetics, part of Exact Sciences
Classification: Likely benign for NR0B2-related condition. Last evaluated: 2026-09-02. Review status: criteria provided, single submitter. Criteria: ACMG Guidelines, 2015. Collection method: clinical testing. Allele origin: germline.
Comment: This variant is classified as likely benign based on ACMG/AMP sequence variant interpretation guidelines (Richards et al. 2015 PMID: 25741868, with internal and published modifications).